The following is an entry in ClinVar:

ClinVar aggregate classification (germline): Pathogenic. Review status: criteria provided, multiple submitters, no conflicts (2 of 4 stars). 4 submissions from 4 submitters: Pathogenic (4). Last evaluated 2025-04-21.

Conditions:
Autosomal recessive congenital ichthyosis 1 (LI1). Also called: ICHTHYOSIS CONGENITA; ICHTHYOSIS CONGENITA II; LAMELLAR EXFOLIATION OF NEWBORN; ICHTHYOSIS, CONGENITAL, AUTOSOMAL RECESSIVE 1, WITH BATHING SUIT DISTRIBUTION; ICHTHYOSIS, CONGENITAL, AUTOSOMAL RECESSIVE 1, WITH OR WITHOUT BATHING SUIT DISTRIBUTION; COLLODION FETUS. Identifiers: MedGen C4551630, MONDO:0009441, OMIM 242300.

Submissions (4):

Natera, Inc.
Classification: Pathogenic for Autosomal recessive congenital ichthyosis type 1. Last evaluated: 2025-04-21. Review status: criteria provided, single submitter. Criteria: Natera Variant Classification Schema (03/2026). Collection method: clinical testing. Allele origin: germline.
Comment: The c.1054C>G variant in TGM1 is a missense variant predicted to cause substitution of proline to alanine at amino acid 352. This variant is rare in the general population with a frequency below the threshold expected for the associated phenotype(s). This variant has been observed in one or more individuals affected with the associated recessive disease, as either homozygous or compound heterozygous with a second variant (PMID: 32436339). Additionally, this variant has been observed to segregate in affected family members (PMID: 32436339). Computational prediction algorithms indicate this variant is likely to affect gene or protein function. Given the available evidence, this variant is classified as Pathogenic.

Labcorp Genetics (formerly Invitae), Labcorp
Classification: Pathogenic. Last evaluated: 2024-07-10. Review status: criteria provided, single submitter. Criteria: Invitae Variant Classification Sherloc (09022015). Collection method: clinical testing. Allele origin: germline.
Comment: This sequence change replaces proline, which is neutral and non-polar, with alanine, which is neutral and non-polar, at codon 352 of the TGM1 protein (p.Pro352Ala). This variant is not present in population databases (gnomAD no frequency). This missense change has been observed in individual(s) with autosomal recessive congenital ichthyosis (PMID: 32436339). It has also been observed to segregate with disease in related individuals. ClinVar contains an entry for this variant (Variation ID: 694521). Advanced modeling of protein sequence and biophysical properties (such as structural, functional, and spatial information, amino acid conservation, physicochemical variation, residue mobility, and thermodynamic stability) performed at Invitae indicates that this missense variant is expected to disrupt TGM1 protein function with a positive predictive value of 95%. For these reasons, this variant has been classified as Pathogenic.

GeneDx
Classification: Pathogenic. Last evaluated: 2023-12-11. Review status: criteria provided, single submitter. Criteria: GeneDx Variant Classification Process June 2021. Collection method: clinical testing. Allele origin: germline. Affected: yes.
Comment: Not observed at significant frequency in large population cohorts (gnomAD); In silico analysis supports that this missense variant has a deleterious effect on protein structure/function; This variant is associated with the following publications: (PMID: 32436339)

Laboratorio de Medicina Genomica, Instituto Nacional de Rehabilitacion Luis Guillermo Ibarra Ibarra
Classification: Pathogenic for Autosomal recessive congenital ichthyosis 1. Last evaluated: 2020-03-13. Review status: criteria provided, single submitter. Criteria: ACMG Guidelines, 2015. Collection method: clinical testing. Allele origin: germline. Inheritance: Autosomal recessive inheritance. Affected: yes. Observed: 40 variant alleles, 40 homozygotes. Clinical features observed: Congenital nonbullous ichthyosiform erythroderma (HP:0007479).
Comment: Autosomal recessive congenital ichthyoses (ARCI) is a group of clinically heterogeneous inherited disorders that affect the skin barrier function. These diseases are characterized by variable clinical severity, and the main clinical manifestations include skin scaling, hyperkeratosis, pruritus, fissures, erythema, inflammation, and skin pain. Mutations in the TGM1 gene are a significant cause of ARCI. In this regard, we detected a novel homozygous c.1054C>G (p.Pro352Ala) variant in the exon 7 of the TGM1 gene in 62 Mexican patients with ARCI. However, we did not observe it in 100 healthy individuals from the Mexican population (and from the same geographical region). We found that the c.1054C>G (p.Pro352Ala) variant had not been reported in any known database, including ClinVar and The Human Mutation Database. Moreover, according to VEP results, we did not find the variant in the NHLBI Exome Sequencing Project, 1000 Genomes Project, The Greater Middle East Variome Project, and the Genome Aggregation Database. Therefore, the c.1054C>G (p.Pro352Ala) variant has not been reported as a mutation, nor has it been reported as a benign polymorphism. Our molecular modeling revealed that the c.1054C>G (p.Pro352Ala) mutation leads to a non-conservative amino acid substitution, which is very likely to impact the secondary structure of the TGM1 protein because these residues differ in some properties. Concerning this, the wild-type residue is bigger than the mutant amino acid, which could produce a space in the core of the mutated protein. Likewise, the wild-type residue is proline, which is known to be very rigid. Therefore, it induces a particular backbone conformation that might be required for the function of TGM1. Further analysis revealed that the whole trajectory of the mutated protein is lower than the wild-type, which suggests a loss of activity of the mutated protein. Likewise, our analysis indicated that the wild-type residue is at a position very conserved across species, and conservation scores suggest that this mutation is probably damaging to the protein structure/function. In this regard, the c.1054C>G mutation is positioned only 25 residues away from the catalytic residue Cys377. Moreover, several reports showed missense mutations in the nearby residues p.Ser358Arg, p.Val359Met, p.Ala381Pro, and even in the same residue (p.Pro352Leu) as a cause of ARCI. This evidence suggests that the c.1054C>G (p.Pro352Ala) mutation is situated in a region crucial for the function of TGM1. Our findings suggest the functional relevance of the mutated residue and support the idea that the c.1054C>G (p.Pro352Ala) mutation is damaging to the protein structure/function. Therefore, we consider the c.1054C>G (p.Pro352Ala) mutation as a disease-causing variant.

Literature cited by the submitters: PubMed 32436339 (cited by Natera, Inc. and Labcorp Genetics (formerly Invitae), Labcorp); DOI 10.1111/ijd.14952 (cited by Laboratorio de Medicina Genomica, Instituto Nacional de Rehabilitacion Luis Guillermo Ibarra Ibarra).

NM_000359.3(TGM1):c.1054C>G (p.Pro352Ala)

Gene: TGM1 (transglutaminase 1; minus strand). Cytogenetic location: 14q12.
Variant type: single nucleotide variant.
Coding change: c.1054C>G on transcript NM_000359.3 (MANE Select); coding-DNA position 1054, C replaced by G.
Protein change: p.Pro352Ala; replaces proline 352 with alanine.
Molecular consequence: missense variant.
Genome position (GRCh38, 1-based): chr14:24,259,180, G>C on the plus strand (C>G on the coding strand, the complement: TGM1 is on the minus strand). VCF-style: chr14-24259180-G-C. GRCh37 (hg19) VCF-style: chr14-24728386-G-C.
Other names: c.1054C>G (NM_000359.2); short protein forms P352A.
Identifiers: ClinVar variation 694521 (VCV000694521.12), dbSNP rs1594571148, ClinGen allele CA389264904.